The following is an entry in ClinVar:

ClinVar aggregate classification (germline): Likely pathogenic (1 of 4 stars; one submission).

Conditions:
Hereditary breast ovarian cancer syndrome. Also called: Breast and ovarian cancer; Hereditary breast and ovarian cancer; Hereditary breast and ovarian cancer syndrome; Hereditary breast and ovarian cancer syndrome (HBOC); BRCA1- and BRCA2-Associated Hereditary Breast and Ovarian Cancer; Hereditary breast and/or ovarian cancer syndrome. Identifiers: Orphanet 145, MedGen C0677776, MeSH D061325, MONDO:0003582. Disease mechanism: loss of function.

Submission:

Women's Health and Genetics/Laboratory Corporation of America, LabCorp
Classification: Likely pathogenic for Hereditary breast and ovarian cancer syndrome. Last evaluated: 2020-07-03. Review status: criteria provided, single submitter. Criteria: LabCorp Variant Classification Summary - May 2015. Collection method: clinical testing. Allele origin: germline.
Comment: Variant summary: BRCA1 c.2346delT (p.Ser782ArgfsX10) results in a premature termination codon, predicted to cause a truncation of the encoded protein or absence of the protein due to nonsense mediated decay, which are commonly known mechanisms for disease. Truncations downstream of this position have been classified as pathogenic by our laboratory. The variant was absent in 250738 control chromosomes. To our knowledge, no occurrence of c.2346delT in individuals affected with Hereditary Breast And Ovarian Cancer Syndrome and no experimental evidence demonstrating its impact on protein function have been reported. No clinical diagnostic laboratories have submitted clinical-significance assessments for this variant to ClinVar after 2014. Based on the evidence outlined above, the variant was classified as likely pathogenic.

NM_007294.4(BRCA1):c.2346del (p.Ser782fs)

Gene: BRCA1 (BRCA1 DNA repair associated; minus strand). Cytogenetic location: 17q21.31.
Variant type: Deletion.
Coding change: c.2346del on transcript NM_007294.4 (MANE Select); coding-DNA position 2346, one base deleted (T; older notation c.2346delT).
Protein change: p.Ser782fs; shifts the reading frame from serine 782.
Molecular consequence: frameshift variant. On other transcripts: intron variant (137).
Genome position (GRCh38, 1-based): chr17:43,093,185, A deleted on the plus strand (T on the coding strand, the reverse complement: BRCA1 is on the minus strand). VCF-style (leftmost placement, unchanged base first): chr17-43093184-TA-T. GRCh37 (hg19) VCF-style: chr17-41245201-TA-T.
Other names: c.2082del, p.Ser694fs (NM_001407927.1, NM_001407928.1, NM_001407929.1 and 9 more transcripts); c.2079del, p.Ser693fs (NM_001407930.1, NM_001407931.1, NM_001407932.1 and 2 more transcripts); c.2010del, p.Ser670fs (NM_001407955.1, NM_001407956.1, NM_001407958.1 and 1 more transcripts); c.2013del, p.Ser671fs (NM_001407957.1, NM_001407950.1, NM_001407951.1 and 6 more transcripts); c.1965del, p.Ser655fs (NM_001407959.1, NM_001407960.1, NM_001407963.1); c.2223del, p.Ser741fs (NM_001407938.1, NM_001407939.1, NM_001407937.1 and 19 more transcripts); c.2220del, p.Ser740fs (NM_001407940.1, NM_001407941.1, NM_001407649.1 and 11 more transcripts); c.2205del, p.Ser735fs (NM_001407942.1, NM_001407944.1, NM_001407945.1 and 29 more transcripts); and 41 more; short protein forms S735fs, S782fs, S655fs, S711fs, S740fs, S756fs, S486fs, S670fs.
Identifiers: ClinVar variation 974950 (VCV000974950.2), dbSNP rs2053777106, ClinGen allele CA1139664777.